The following is an entry in ClinVar:

ClinVar aggregate classification (germline): Uncertain significance (1 of 4 stars; one submission).

Allele frequency attached by ClinVar (database versions not stated): gnomAD exomes below 0.00001.
gnomAD v4.1: 1 of 1,607,918 alleles (0.000062%); highest among the groups gnomAD compares: Non-Finnish European, 0.000085%; no homozygotes.

Submission:

Ambry Genetics
Classification: Uncertain significance. Last evaluated: 2023-11-03. Review status: criteria provided, single submitter. Criteria: Ambry Variant Classification Scheme 2023. Collection method: clinical testing. Allele origin: germline.
Comment: The p.D370G variant (also known as c.1109A>G), located in coding exon 3 of the PALLD gene, results from an A to G substitution at nucleotide position 1109. The aspartic acid at codon 370 is replaced by glycine, an amino acid with similar properties. This amino acid position is conserved. In addition, this alteration is predicted to be tolerated by in silico analysis. Since supporting evidence is limited at this time, the clinical significance of this alteration remains unclear.

NM_001166108.2(PALLD):c.1109A>G (p.Asp370Gly)

Gene: PALLD (palladin, cytoskeletal associated protein; plus strand). Cytogenetic location: 4q32.3.
Variant type: single nucleotide variant.
Coding change: c.1109A>G on transcript NM_001166108.2 (MANE Select); coding-DNA position 1109, A replaced by G.
Protein change: p.Asp370Gly; replaces aspartic acid 370 with glycine.
Molecular consequence: missense variant. On other transcripts: 5 prime UTR variant (1).
Genome position (GRCh38, 1-based): chr4:168,681,353, A>G. VCF-style: chr4-168681353-A-G. GRCh37 (hg19) VCF-style: chr4-169602504-A-G.
Other names: c.-38A>G (NM_001166109.2); c.1109A>G, p.Asp370Gly (NM_016081.4); short protein forms D370G.
Identifiers: ClinVar variation 3226712 (VCV003226712.1), dbSNP rs2531573791, ClinGen allele CA358794024.